The following is an entry in ClinVar:

NM_000256.3(MYBPC3):c.3726G>T (p.Lys1242Asn)

Gene: MYBPC3 (myosin binding protein C3; minus strand). Cytogenetic location: 11p11.2.
Variant type: single nucleotide variant.
Coding change: c.3726G>T on transcript NM_000256.3 (MANE Select); coding-DNA position 3726, G replaced by T.
Protein change: p.Lys1242Asn; replaces lysine 1242 with asparagine.
Molecular consequence: missense variant.
Genome position (GRCh38, 1-based): chr11:47,332,160, C>A on the plus strand (G>T on the coding strand, the complement: MYBPC3 is on the minus strand). VCF-style: chr11-47332160-C-A. GRCh37 (hg19) VCF-style: chr11-47353711-C-A.
Other names: c.3726G>T, p.Lys1242Asn (LRG_386t1); short protein forms K1242N.
Identifiers: ClinVar variation 393186 (VCV000393186.4), dbSNP rs778267366, ClinGen allele CA16606238.
Genomic context (GRCh38, chr11:47,332,160, plus strand): 5'-TGCCTCGCCCTGTAAGTTGGTGGCCCTGCAGACATAGATGCCCCCGTCAAAGGGGCAGGG[C>A]TTTCTAATCTCCAGAGTCAACACTCCCTGCTTGCTGAACATGCGGAAGCGGGCGTCTTCT-3'
Protein context (NP_000247.2, residues 1232-1252): KQGVLTLEIR[Lys1242Asn]PCPFDGGIYV

ClinVar aggregate classification (germline): Uncertain significance. Review status: criteria provided, multiple submitters, no conflicts (2 of 4 stars). 3 submissions from 3 submitters: Uncertain significance (3). Last evaluated 2025-10-03.

Conditions:
Cardiomyopathy (CMYO). Also called: Cardiomyopathies. Identifiers: Orphanet 167848, MedGen C0878544, MONDO:0004994, HP:0001638. Inheritance: Various modes of inheritance.
Hypertrophic cardiomyopathy. Also called: HYPERTROPHIC MYOCARDIOPATHY. Identifiers: Orphanet 217569, MedGen C0007194, MeSH D002312, MONDO:0005045, HP:0001639.

Allele frequency attached by ClinVar (database versions not stated): gnomAD exomes below 0.00001; TOPMed below 0.00001; gnomAD 0.00001.
gnomAD v4.1: 7 of 1,613,682 alleles (0.00043%); highest among the groups gnomAD compares: Non-Finnish European, 0.00059%; no homozygotes.

Submissions (3):

Color Diagnostics, LLC DBA Color Health
Classification: Uncertain significance for Cardiomyopathy. Last evaluated: 2025-10-03. Review status: criteria provided, single submitter. Criteria: ACMG Guidelines, 2015. Collection method: clinical testing. Allele origin: germline.
Comment: This missense variant replaces lysine with asparagine at codon 1242 of the MYBPC3 protein. Computational prediction suggests that this variant may not impact protein structure and function. To our knowledge, functional studies have not been reported for this variant. This variant has not been reported in individuals affected with MYBPC3-related disorders in the literature. This variant has not been identified in the general population by the Genome Aggregation Database (gnomAD). The available evidence is insufficient to determine the role of this variant in disease conclusively. Therefore, this variant is classified as a Variant of Uncertain Significance.

All of Us Research Program, National Institutes of Health
Classification: Uncertain significance for Hypertrophic cardiomyopathy. Last evaluated: 2023-11-30. Review status: criteria provided, single submitter. Criteria: ACMG Guidelines, 2015. Collection method: clinical testing. Allele origin: germline. Inheritance: Autosomal dominant inheritance. Observed: 2 variant alleles, 2 heterozygotes.
Comment: This missense variant replaces lysine with asparagine at codon 1242 of the MYBPC3 protein. Computational prediction suggests that this variant may not impact protein structure and function (internally defined REVEL score threshold <= 0.5, PMID: 27666373). To our knowledge, functional studies have not been reported for this variant. This variant has not been reported in individuals affected with MYBPC3-related disorders in the literature. This variant has not been identified in the general population by the Genome Aggregation Database (gnomAD). The available evidence is insufficient to determine the role of this variant in disease conclusively. Therefore, this variant is classified as a Variant of Uncertain Significance.

This study involves interpretation of variants in research participants for the purpose of population health screening. Participant phenotype was not available at the time of variant classification. Additional details can be found in publication PMID: 35346344, PMCID: PMC8962531

GeneDx
Classification: Uncertain significance. Last evaluated: 2017-01-26. Review status: criteria provided, single submitter. Criteria: GeneDx Variant Classification (06012015). Collection method: clinical testing. Allele origin: germline. Affected: yes.
Comment: A variant of uncertain significance has been identified in the MYBPC3 gene. The K1242N variant has not been published as pathogenic or been reported as benign to our knowledge. This variant is not observed in large population cohorts (Lek et al., 2016; 1000 Genomes Consortium et al., 2015; Exome Variant Server). The K1242N variant occurs at a position that is conserved across species, and in silico analysis predicts this variant is probably damaging to the protein structure/function. Nevertheless, this substitution is a semi-conservative amino acid substitution, which may or may not impact secondary protein structure as these residues differ in some properties.